The following is an entry in ClinVar:

ClinVar aggregate classification (germline): Uncertain significance (1 of 4 stars; one submission).

Submission:

Labcorp Genetics (formerly Invitae), Labcorp
Classification: Uncertain significance. Last evaluated: 2022-08-31. Review status: criteria provided, single submitter. Criteria: Invitae Variant Classification Sherloc (09022015). Collection method: clinical testing. Allele origin: germline.
Comment: A copy number gain of the genomic region encompassing the full coding sequence of the SLC7A14 gene has been identified. The boundaries of this event are unknown as they extend beyond the assayed region for this gene and therefore may encompass additional genes. As the precise location of this event is unknown, it may be in tandem or it may be located elsewhere in the genome. This variant has not been reported in the literature in individuals affected with SLC7A14-related conditions. In summary, the available evidence is currently insufficient to determine the role of this variant in disease. Therefore, it has been classified as a Variant of Uncertain Significance.

NC_000003.11:g.(?_170184843)_(170244725_?)dup

Gene: SLC7A14 (solute carrier family 7 member 14; minus strand). Cytogenetic location: 3q26.2.
Variant type: Duplication.
Identifiers: ClinVar variation 2426636 (VCV002426636.3).